The following is an entry in ClinVar:

ClinVar aggregate classification (germline): Uncertain significance (1 of 4 stars; one submission).

Submission:

Labcorp Genetics (formerly Invitae), Labcorp
Classification: Uncertain significance. Last evaluated: 2022-04-04. Review status: criteria provided, single submitter. Criteria: Invitae Variant Classification Sherloc (09022015). Collection method: clinical testing. Allele origin: germline.
Comment: This sequence change replaces lysine, which is basic and polar, with glutamic acid, which is acidic and polar, at codon 121 of the SUGCT protein (p.Lys121Glu). This variant is not present in population databases (gnomAD no frequency). This variant has not been reported in the literature in individuals affected with SUGCT-related conditions. Algorithms developed to predict the effect of missense changes on protein structure and function are either unavailable or do not agree on the potential impact of this missense change (SIFT: "Deleterious"; PolyPhen-2: "Not Available"; Align-GVGD: "Class C0"). In summary, the available evidence is currently insufficient to determine the role of this variant in disease. Therefore, it has been classified as a Variant of Uncertain Significance.

NM_001193313.2(SUGCT):c.340A>G (p.Lys114Glu)

Gene: SUGCT (succinyl-CoA:glutarate-CoA transferase; plus strand). Cytogenetic location: 7p14.1.
Variant type: single nucleotide variant.
Coding change: c.340A>G on transcript NM_001193313.2 (MANE Select); coding-DNA position 340, A replaced by G.
Protein change: p.Lys114Glu; replaces lysine 114 with glutamic acid.
Molecular consequence: missense variant.
Genome position (GRCh38, 1-based): chr7:40,189,571, A>G. VCF-style: chr7-40189571-A-G. GRCh37 (hg19) VCF-style: chr7-40229170-A-G.
Other names: c.340A>G, p.Lys114Glu (NM_001193311.2, NM_001193312.2, NM_024728.3); short protein forms K114E.
Identifiers: ClinVar variation 2080351 (VCV002080351.4), dbSNP rs2484642920, ClinGen allele CA367312143.
Genomic context (GRCh38, chr7:40,189,571, plus strand): 5'-ATAATATATATATATATATTTTTTAATTTTTAGAGTATTGCTGTTAATATCAAGGATCCA[A>G]AAGGGGTGAAAATCATCAAAGAGGTACAGTATGATGTATAGAAAGCATCCTACCACCTAG-3'
Protein context (NP_001180242.2, residues 104-124): KSIAVNIKDP[Lys114Glu]GVKIIKELAA